The following is an entry in ClinVar:

NM_001171613.2(PREPL):c.-49+1690T>C

Gene: PREPL (prolyl endopeptidase like; minus strand). Cytogenetic location: 2p21.
Variant type: single nucleotide variant.
Coding change: c.-49+1690T>C on transcript NM_001171613.2 (MANE Select); 1690 bases into the intron after 49 bases upstream of the start codon, T replaced by C.
Molecular consequence: intron variant. On other transcripts: missense variant (7).
Genome position (GRCh38, 1-based): chr2:44,359,690, A>G on the plus strand (T>C on the coding strand, the complement: PREPL is on the minus strand). VCF-style: chr2-44359690-A-G. GRCh37 (hg19) VCF-style: chr2-44586829-A-G.
Other names: c.26T>C, p.Leu9Pro (NM_001042385.2, NM_001042386.2, NM_001171603.1 and 4 more transcripts); c.-49+1834T>C (NM_001171617.1); c.-49+1727T>C (NM_001374277.1); short protein forms L9P.
Identifiers: ClinVar variation 3655168 (VCV003655168.2).

ClinVar aggregate classification (germline): Uncertain significance (1 of 4 stars; one submission).

Conditions:
Myasthenic syndrome, congenital, 22 (CMS22). Also called: PREPL DEFICIENCY. Identifiers: MedGen C4479088, MONDO:0044299, OMIM 616224.

gnomAD v4.1: 1 of 1,612,786 alleles (0.000062%); highest among the groups gnomAD compares: East Asian, 0.0022%; no homozygotes.

Submission:

Labcorp Genetics (formerly Invitae), Labcorp
Classification: Uncertain significance for Myasthenic syndrome, congenital, 22. Last evaluated: 2025-03-03. Review status: criteria provided, single submitter. Criteria: Invitae Variant Classification Sherloc (09022015). Collection method: clinical testing. Allele origin: germline.
Comment: This sequence change replaces leucine, which is neutral and non-polar, with proline, which is neutral and non-polar, at codon 9 of the PREPL protein (p.Leu9Pro). This variant is not present in population databases (gnomAD no frequency). This variant has not been reported in the literature in individuals affected with PREPL-related conditions. An algorithm developed to predict the effect of missense changes on protein structure and function (PolyPhen-2) suggests that this variant is likely to be disruptive. In summary, the available evidence is currently insufficient to determine the role of this variant in disease. Therefore, it has been classified as a Variant of Uncertain Significance.